The following is an entry in ClinVar:

ClinVar aggregate classification (germline): Uncertain significance (1 of 4 stars; one submission).

Conditions:
Catecholaminergic polymorphic ventricular tachycardia 1. Also called: RYR2-Related Catecholaminergic Polymorphic Ventricular Tachycardia; VENTRICULAR TACHYCARDIA, CATECHOLAMINERGIC POLYMORPHIC, 1, WITH OR WITHOUT ATRIAL DYSFUNCTION AND/OR DILATED CARDIOMYOPATHY; VENTRICULAR TACHYCARDIA, STRESS-INDUCED POLYMORPHIC 1. Identifiers: Orphanet 3286, MedGen C1631597, MONDO:0011484, OMIM 604772.

Submission:

Labcorp Genetics (formerly Invitae), Labcorp
Classification: Uncertain significance for Catecholaminergic polymorphic ventricular tachycardia 1. Last evaluated: 2022-10-12. Review status: criteria provided, single submitter. Criteria: Invitae Variant Classification Sherloc (09022015). Collection method: clinical testing. Allele origin: germline.
Comment: In summary, the available evidence is currently insufficient to determine the role of this variant in disease. Therefore, it has been classified as a Variant of Uncertain Significance. Advanced modeling of protein sequence and biophysical properties (such as structural, functional, and spatial information, amino acid conservation, physicochemical variation, residue mobility, and thermodynamic stability) performed at Invitae indicates that this missense variant is not expected to disrupt RYR2 protein function. This variant has not been reported in the literature in individuals affected with RYR2-related conditions. This variant is not present in population databases (gnomAD no frequency). This sequence change replaces cysteine, which is neutral and slightly polar, with phenylalanine, which is neutral and non-polar, at codon 2559 of the RYR2 protein (p.Cys2559Phe).

NM_001035.3(RYR2):c.7676G>T (p.Cys2559Phe)

Gene: RYR2 (ryanodine receptor 2; plus strand). Cytogenetic location: 1q43.
Variant type: single nucleotide variant.
Coding change: c.7676G>T on transcript NM_001035.3 (MANE Select); coding-DNA position 7676, G replaced by T.
Protein change: p.Cys2559Phe; replaces cysteine 2559 with phenylalanine.
Molecular consequence: missense variant.
Genome position (GRCh38, 1-based): chr1:237,650,040, G>T. VCF-style: chr1-237650040-G-T. GRCh37 (hg19) VCF-style: chr1-237813340-G-T.
Other names: short protein forms C2559F.
Identifiers: ClinVar variation 2004238 (VCV002004238.4), dbSNP rs2547037759, ClinGen allele CA345399325.